The following is an entry in ClinVar:

ClinVar aggregate classification (germline): Pathogenic (1 of 4 stars; one submission).

Submission:

Labcorp Genetics (formerly Invitae), Labcorp
Classification: Pathogenic. Last evaluated: 2023-08-10. Review status: criteria provided, single submitter. Criteria: Invitae Variant Classification Sherloc (09022015). Collection method: clinical testing. Allele origin: unknown.
Comment: For these reasons, this variant has been classified as Pathogenic. This variant disrupts a region of the WFS1 protein in which other variant(s) (p.Ala126Thr) have been determined to be pathogenic (PMID: 23981289, 26773575, 30957632, 31600780). This suggests that this is a clinically significant region of the protein, and that variants that disrupt it are likely to be disease-causing. This variant has not been reported in the literature in individuals affected with WFS1-related conditions. This variant is a gross deletion of the genomic region encompassing exon(s) 3-8 of the WFS1 gene, which includes the termination codon. This deletion extends beyond the assayed region for this gene and therefore may encompass additional genes. While this deletion is not anticipated to lead to nonsense mediated decay, it is expected to alter mRNA translation or result in a truncated protein product.

Literature cited by the submitters: PubMed 23981289; PubMed 26773575; PubMed 30957632; PubMed 31600780.

NC_000004.11:g.(?_6288800)_(6304195_?)del

Gene: WFS1 (wolframin ER transmembrane glycoprotein; plus strand). Cytogenetic location: 4p16.1.
Variant type: Deletion.
Identifiers: ClinVar variation 3246743 (VCV003246743.1).